The following is an entry in ClinVar:

ClinVar aggregate classification (germline): Likely pathogenic (1 of 4 stars; one submission).

Conditions:
Long QT syndrome 1 (LQT1). Identifiers: Orphanet 101016, Orphanet 768, MedGen C4551647, MONDO:0100316, OMIM 192500, MONDO:0008646.

Submission:

Juno Genomics, Hangzhou Juno Genomics, Inc
Classification: Likely pathogenic for Long QT syndrome 1. Review status: criteria provided, single submitter. Criteria: ACMG Guidelines, 2015. Collection method: clinical testing. Allele origin: germline.
Comment: Absent from controls (or at extremely low frequency if recessive) in Genome Aggregation Database.;Null variant in a gene where loss of function (LOF) is a known mechanism of disease.

NM_000218.3(KCNQ1):c.1432del (p.His478fs)

Genes: KCNQ1 (potassium voltage-gated channel subfamily Q member 1; plus strand), KCNQ1OT1 (KCNQ1 opposite strand/antisense transcript 1; minus strand). Cytogenetic location: 11p15.5.
Variant type: Deletion.
Coding change: c.1432del on transcript NM_000218.3 (MANE Select); coding-DNA position 1432, one base deleted (C; older notation c.1432delC).
Protein change: p.His478fs; shifts the reading frame from histidine 478.
Molecular consequence: frameshift variant. On other transcripts: non-coding transcript variant (1).
Genome position (GRCh38, 1-based): chr11:2,661,999, C deleted; the last of 4 consecutive C bases (chr11:2,661,996-2,661,999); deleting any one gives the same sequence. VCF-style (leftmost placement, unchanged base first): chr11-2661995-GC-G. GRCh37 (hg19) VCF-style: chr11-2683225-GC-G.
Other names: c.1336del, p.His446fs (NM_001406836.1); c.1162del, p.His388fs (NM_001406837.1); c.892del, p.His298fs (NM_001406838.1); c.1051del, p.His351fs (NM_181798.2); short protein forms H298fs, H351fs, H388fs, H446fs, H478fs.
Identifiers: ClinVar variation 3383201 (VCV003383201.3).